The following is an entry in ClinVar:

NM_033026.6(PCLO):c.377C>G (p.Pro126Arg)

Gene: PCLO (piccolo presynaptic cytomatrix protein; minus strand). Cytogenetic location: 7q21.11.
Variant type: single nucleotide variant.
Coding change: c.377C>G on transcript NM_033026.6 (MANE Select); coding-DNA position 377, C replaced by G.
Protein change: p.Pro126Arg; replaces proline 126 with arginine.
Molecular consequence: missense variant.
Genome position (GRCh38, 1-based): chr7:83,156,264, G>C on the plus strand (C>G on the coding strand, the complement: PCLO is on the minus strand). VCF-style: chr7-83156264-G-C. GRCh37 (hg19) VCF-style: chr7-82785580-G-C.
Other names: c.377C>G, p.Pro126Arg (NM_014510.3); short protein forms P126R.
Identifiers: ClinVar variation 1514766 (VCV001514766.5), dbSNP rs1176930182, ClinGen allele CA367921367.

ClinVar aggregate classification (germline): Uncertain significance (1 of 4 stars; one submission).

Allele frequency attached by ClinVar (database versions not stated): gnomAD exomes below 0.00001.
gnomAD v4.1: 1 of 1,613,604 alleles (0.000062%); highest among the groups gnomAD compares: Admixed American, 0.0017%; no homozygotes.

Submission:

Labcorp Genetics (formerly Invitae), Labcorp
Classification: Uncertain significance. Last evaluated: 2022-02-28. Review status: criteria provided, single submitter. Criteria: Invitae Variant Classification Sherloc (09022015). Collection method: clinical testing. Allele origin: germline.
Comment: This sequence change replaces proline, which is neutral and non-polar, with arginine, which is basic and polar, at codon 126 of the PCLO protein (p.Pro126Arg). This variant is present in population databases (no rsID available, gnomAD 0.003%). This variant has not been reported in the literature in individuals affected with PCLO-related conditions. Algorithms developed to predict the effect of missense changes on protein structure and function are either unavailable or do not agree on the potential impact of this missense change (SIFT: "Deleterious"; PolyPhen-2: "Not Available"; Align-GVGD: "Class C0"). In summary, the available evidence is currently insufficient to determine the role of this variant in disease. Therefore, it has been classified as a Variant of Uncertain Significance.